The following is an entry in ClinVar:

ClinVar aggregate classification (germline): Uncertain significance. Review status: criteria provided, multiple submitters, no conflicts (2 of 4 stars). 3 submissions from 3 submitters: Uncertain significance (3). Last evaluated 2026-05-05.

Conditions:
Inborn genetic diseases. Identifiers: MedGen C0950123, MeSH D030342.
MKS1-related disorder. Also called: MKS1-related condition; MKS1-related disorders. Identifiers: MedGen CN239382.

gnomAD v4.1: 54 of 1,612,128 alleles (0.0033%); highest among the groups gnomAD compares: South Asian, 0.055%; no homozygotes.

Submissions (3):

PreventionGenetics, part of Exact Sciences
Classification: Uncertain significance for MKS1-related condition. Last evaluated: 2026-05-05. Review status: criteria provided, single submitter. Criteria: ACMG Guidelines, 2015. Collection method: clinical testing. Allele origin: germline.
Comment: The MKS1 c.1408G>T variant is predicted to result in the amino acid substitution p.Gly470Trp. To our knowledge, this variant has not been reported in the literature. This variant is reported in 0.036% of alleles in individuals of South Asian descent in gnomAD. At this time, the clinical significance of this variant is uncertain due to the absence of conclusive functional and genetic evidence.

Ambry Genetics
Classification: Uncertain significance for Inborn genetic diseases. Last evaluated: 2025-12-11. Review status: criteria provided, single submitter. Criteria: Ambry Variant Classification Scheme 2023. Collection method: clinical testing. Allele origin: germline.

Blueprint Genetics
Classification: Uncertain significance. Last evaluated: 2023-09-07. Review status: criteria provided, single submitter. Criteria: ACMG Guidelines, 2015. Collection method: clinical testing. Allele origin: germline.

NM_017777.4(MKS1):c.1408G>T (p.Gly470Trp)

Gene: MKS1 (MKS transition zone complex subunit 1; minus strand). Cytogenetic location: 17q22.
Variant type: single nucleotide variant.
Coding change: c.1408G>T on transcript NM_017777.4 (MANE Select); coding-DNA position 1408, G replaced by T.
Protein change: p.Gly470Trp; replaces glycine 470 with tryptophan.
Molecular consequence: missense variant. On other transcripts: intron variant (2).
Genome position (GRCh38, 1-based): chr17:58,206,547, C>A on the plus strand (G>T on the coding strand, the complement: MKS1 is on the minus strand). VCF-style: chr17-58206547-C-A. GRCh37 (hg19) VCF-style: chr17-56283908-C-A.
Other names: c.799G>T, p.Gly267Trp (NM_001321268.2); c.1274-167G>T (NM_001330397.2); c.1408-167G>T (NM_001321269.2); short protein forms G470W, G267W.
Identifiers: ClinVar variation 4625033 (VCV004625033.3).
Genomic context (GRCh38, chr17:58,206,547, plus strand): 5'-AGCGGAAGGTGACAGTGCCTGTGGTCTCTGTGCGGAGTCCAAAGCGGCTCAGGCGTTCCC[C>A]CTGTGGCATGCCATTGGGACAGCCTCAGGTTTCTGCTCTCTCTAGACACCCCCGCACCAT-3'
Protein context (NP_060247.2, residues 460-480): SYVRIPGSFK[Gly470Trp]ERLSRFGLRT